The following is an entry in ClinVar:

NM_004360.5(CDH1):c.1275C>T (p.Val425=)

Gene: CDH1 (cadherin 1; plus strand). Cytogenetic location: 16q22.1.
Variant type: single nucleotide variant.
Coding change: c.1275C>T on transcript NM_004360.5 (MANE Select); coding-DNA position 1275, C replaced by T.
Protein change: p.Val425=; no amino-acid change (valine 425 retained).
Molecular consequence: synonymous variant. On other transcripts: 5 prime UTR variant (2), intron variant (1).
Genome position (GRCh38, 1-based): chr16:68,813,450, C>T. VCF-style: chr16-68813450-C-T. GRCh37 (hg19) VCF-style: chr16-68847353-C-T.
Other names: c.1275C>T (LRG_301t1); c.-341C>T (NM_001317185.2); c.-545C>T (NM_001317186.2); c.1137+1187C>T (NM_001317184.2).
Identifiers: ClinVar variation 483231 (VCV000483231.16), dbSNP rs1555515907, ClinGen allele CA496393125.
Genomic context (GRCh38, chr16:68,813,450, plus strand): 5'-TACCCCAGCGTGGGAGGCTGTATACACCATATTGAATGATGATGGTGGACAATTTGTCGT[C>T]ACCACAAATCCAGTGAACAACGATGGCATTTTGAAAACAGCAAAGGTTTGTATGGTACCT-3'
Protein context (NP_004351.1, residues 415-435): ILNDDGGQFV[Val425=]TTNPVNNDGI

ClinVar aggregate classification (germline): Benign/Likely benign. Review status: criteria provided, multiple submitters, no conflicts (2 of 4 stars). 3 submissions from 3 submitters: Benign (1); Likely benign (2). Last evaluated 2024-09-18.

Conditions:
Hereditary cancer-predisposing syndrome. Also called: Hereditary neoplastic syndrome; Neoplastic Syndromes, Hereditary; Tumor predisposition; Hereditary Cancer Syndrome. Identifiers: Orphanet 140162, MedGen C0027672, MeSH D009386, MONDO:0015356.
Hereditary diffuse gastric adenocarcinoma (HDGC). Also called: DIFFUSE GASTRIC AND LOBULAR BREAST CANCER SYNDROME. Identifiers: Orphanet 26106, MedGen C1708349, MONDO:0007648, OMIM 137215.

Allele frequency attached by ClinVar (database versions not stated): gnomAD exomes below 0.00001.
gnomAD v4.1: 1 of 1,614,160 alleles (0.000062%); highest among the groups gnomAD compares: African/African-American, 0.0013%; no homozygotes.

Submissions (3):

Myriad Genetics, Inc.
Classification: Benign for Hereditary diffuse gastric adenocarcinoma. Last evaluated: 2024-09-18. Review status: criteria provided, single submitter. Criteria: Myriad Autosomal Dominant, Autosomal Recessive and X-Linked Classification Criteria (2023). Collection method: clinical testing. Allele origin: unknown.
Comment: This variant is considered benign. This variant is a silent/synonymous amino acid change and it is not expected to impact splicing.

Labcorp Genetics (formerly Invitae), Labcorp
Classification: Likely benign for Hereditary diffuse gastric adenocarcinoma. Last evaluated: 2024-04-08. Review status: criteria provided, single submitter. Criteria: Invitae Variant Classification Sherloc (09022015). Collection method: clinical testing. Allele origin: germline.

Ambry Genetics
Classification: Likely benign for Hereditary cancer-predisposing syndrome. Last evaluated: 2017-01-20. Review status: criteria provided, single submitter. Criteria: Ambry Variant Classification Scheme 2023. Collection method: clinical testing. Allele origin: germline.